The following is an entry in ClinVar:

ClinVar aggregate classification (germline): Uncertain significance (1 of 4 stars; one submission).

Conditions:
Predisposition to invasive fungal disease due to CARD9 deficiency (IMD103). Also called: IMMUNODEFICIENCY 103, SUSCEPTIBILITY TO FUNGAL INFECTIONS; CARD9 IMMUNODEFICIENCY; Candidiasis, familial, 2, autosomal recessive. Identifiers: Orphanet 457088, MedGen C1859353, MONDO:0008905, OMIM 212050.

Submission:

Labcorp Genetics (formerly Invitae), Labcorp
Classification: Uncertain significance for Predisposition to invasive fungal disease due to CARD9 deficiency. Last evaluated: 2022-05-07. Review status: criteria provided, single submitter. Criteria: Invitae Variant Classification Sherloc (09022015). Collection method: clinical testing. Allele origin: germline.
Comment: In summary, the available evidence is currently insufficient to determine the role of this variant in disease. Therefore, it has been classified as a Variant of Uncertain Significance. Algorithms developed to predict the effect of missense changes on protein structure and function (SIFT, PolyPhen-2, Align-GVGD) all suggest that this variant is likely to be tolerated. This variant has not been reported in the literature in individuals affected with CARD9-related conditions. This variant is not present in population databases (gnomAD no frequency). This sequence change replaces aspartic acid, which is acidic and polar, with histidine, which is basic and polar, at codon 521 of the CARD9 protein (p.Asp521His).

NM_052813.5(CARD9):c.1561G>C (p.Asp521His)

Gene: CARD9 (caspase recruitment domain family member 9; minus strand). Cytogenetic location: 9q34.3.
Variant type: single nucleotide variant.
Coding change: c.1561G>C on transcript NM_052813.5 (MANE Select); coding-DNA position 1561, G replaced by C.
Protein change: p.Asp521His; replaces aspartic acid 521 with histidine.
Molecular consequence: missense variant. On other transcripts: intron variant (1).
Genome position (GRCh38, 1-based): chr9:136,364,352, C>G on the plus strand (G>C on the coding strand, the complement: CARD9 is on the minus strand). VCF-style: chr9-136364352-C-G. GRCh37 (hg19) VCF-style: chr9-139258804-C-G.
Other names: c.1442-190G>C (NM_052814.4); short protein forms D521H.
Identifiers: ClinVar variation 2135129 (VCV002135129.4), dbSNP rs370908281, ClinGen allele CA375540750.